The following is an entry in ClinVar:

ClinVar aggregate classification (germline): Benign/Likely benign. Review status: criteria provided, multiple submitters, no conflicts (2 of 4 stars). 5 submissions from 5 submitters: Benign (2); Likely benign (2). 1 of the submissions does not count toward it. Last evaluated 2026-01-14.

Conditions:
Primary dilated cardiomyopathy (DCM). Also called: Dilated Cardiomyopathy. Identifiers: Orphanet 217604, MedGen C0007193, MeSH D002311, MONDO:0005021, HP:0001644. Inheritance: Various modes of inheritance.
NEBL-related disorder. Also called: NEBL-related condition.

Allele frequency attached by ClinVar (database versions not stated): ESP Exome Variant Server 0.00008; ExAC 0.00016; 1000 Genomes Project 30x 0.00094; 1000 Genomes Project 0.00120; gnomAD 0.00182 and 0.00188; TOPMed 0.00195.
gnomAD v4.1: 524 of 1,595,692 alleles (0.033%); highest among the groups gnomAD compares: Admixed American, 0.85%; 14 homozygotes.

Submissions (5):

Labcorp Genetics (formerly Invitae), Labcorp
Classification: Benign for Primary dilated cardiomyopathy. Last evaluated: 2026-01-14. Review status: criteria provided, single submitter. Criteria: Invitae Variant Classification Sherloc (09022015). Collection method: clinical testing. Allele origin: germline.

Women's Health and Genetics/Laboratory Corporation of America, LabCorp
Classification: Benign. Last evaluated: 2023-08-19. Review status: criteria provided, single submitter. Criteria: LabCorp Variant Classification Summary - May 2015. Collection method: clinical testing. Allele origin: germline.

GeneDx
Classification: Likely benign. Last evaluated: 2015-11-25. Review status: criteria provided, single submitter. Criteria: GeneDx Variant Classification (06012015). Collection method: clinical testing. Allele origin: germline. Affected: yes.
Comment: This variant is considered likely benign or benign based on one or more of the following criteria: it is a conservative change, it occurs at a poorly conserved position in the protein, it is predicted to be benign by multiple in silico algorithms, and/or has population frequency not consistent with disease.

Laboratory for Molecular Medicine, Mass General Brigham Personalized Medicine
Classification: Likely benign. Last evaluated: 2012-03-19. Review status: criteria provided, single submitter. Criteria: LMM Criteria. Collection method: clinical testing. Allele origin: germline. Observed: 1 variant allele.
Comment: c.1869+8C>G in Intron 18 of NEBL: This variant is not expected to have clinical significance because it is not located within the splice consensus sequence. It has been identified in 1/3736 African American chromosomes from a broad population by the NHLBI Exome Sequencing Project.

PreventionGenetics, part of Exact Sciences
Classification: Likely benign for NEBL-related condition. Last evaluated: 2019-11-25. Review status: no assertion criteria provided. Collection method: clinical testing. Allele origin: germline. Not counted in ClinVar's aggregate classification.
Comment: This variant is classified as likely benign based on ACMG/AMP sequence variant interpretation guidelines (Richards et al. 2015 PMID: 25741868, with internal and published modifications).

NM_006393.3(NEBL):c.1869+8C>G

Gene: NEBL (nebulette; minus strand). Cytogenetic location: 10p12.31.
Variant type: single nucleotide variant.
Coding change: c.1869+8C>G on transcript NM_006393.3 (MANE Select); 8 bases into the intron after coding-DNA position 1869, C replaced by G.
Molecular consequence: intron variant.
Genome position (GRCh38, 1-based): chr10:20,826,439, G>C on the plus strand (C>G on the coding strand, the complement: NEBL is on the minus strand). VCF-style: chr10-20826439-G-C. GRCh37 (hg19) VCF-style: chr10-21115368-G-C.
Other names: c.250-13499C>G (NM_001377326.1, NM_001377327.1, NM_001377328.1); c.358-13499C>G (NM_213569.2, NM_001173484.2, NM_001377322.1); c.301-13499C>G (NM_001377324.1); c.292-13499C>G (NM_001377325.1); c.310-13499C>G (NM_001377323.1).
Identifiers: ClinVar variation 381915 (VCV000381915.19), dbSNP rs188529864, ClinGen allele CA5432727.